The following is an entry in ClinVar:

NM_021076.4(NEFH):c.1238T>A (p.Ile413Asn)

Gene: NEFH (neurofilament heavy chain; plus strand). Cytogenetic location: 22q12.2.
Variant type: single nucleotide variant.
Coding change: c.1238T>A on transcript NM_021076.4 (MANE Select); coding-DNA position 1238, T replaced by A.
Protein change: p.Ile413Asn; replaces isoleucine 413 with asparagine.
Molecular consequence: missense variant.
Genome position (GRCh38, 1-based): chr22:29,488,878, T>A. VCF-style: chr22-29488878-T-A. GRCh37 (hg19) VCF-style: chr22-29884867-T-A.
Other names: short protein forms I413N.
Identifiers: ClinVar variation 2055358 (VCV002055358.4), dbSNP rs1217251635, ClinGen allele CA411128460.
Genomic context (GRCh38, chr22:29,488,878, plus strand): 5'-ATACTAATGTGTTCCGTGATCCATCCTGCAGAAAACTCCTGGAAGGTGAAGAGTGTCGGA[T>A]TGGCTTTGGCCCAATTCCTTTCTCGCTTCCAGAAGGACTCCCCAAAATTCCCTCTGTGTC-3'
Protein context (NP_066554.2, residues 403-423): RKLLEGEECR[Ile413Asn]GFGPIPFSLP

ClinVar aggregate classification (germline): Uncertain significance (1 of 4 stars; one submission).

Submission:

Labcorp Genetics (formerly Invitae), Labcorp
Classification: Uncertain significance. Last evaluated: 2022-06-16. Review status: criteria provided, single submitter. Criteria: Invitae Variant Classification Sherloc (09022015). Collection method: clinical testing. Allele origin: germline.
Comment: In summary, the available evidence is currently insufficient to determine the role of this variant in disease. Therefore, it has been classified as a Variant of Uncertain Significance. Advanced modeling of protein sequence and biophysical properties (such as structural, functional, and spatial information, amino acid conservation, physicochemical variation, residue mobility, and thermodynamic stability) performed at Invitae indicates that this missense variant is not expected to disrupt NEFH protein function. This variant has not been reported in the literature in individuals affected with NEFH-related conditions. This variant is not present in population databases (gnomAD no frequency). This sequence change replaces isoleucine, which is neutral and non-polar, with asparagine, which is neutral and polar, at codon 413 of the NEFH protein (p.Ile413Asn).